The following is an entry in ClinVar:

NM_001035.3(RYR2):c.11202T>A (p.Arg3734=)

Gene: RYR2 (ryanodine receptor 2; plus strand). Cytogenetic location: 1q43.
Variant type: single nucleotide variant.
Coding change: c.11202T>A on transcript NM_001035.3 (MANE Select); coding-DNA position 11202, T replaced by A.
Protein change: p.Arg3734=; no amino-acid change (arginine 3734 retained).
Molecular consequence: synonymous variant.
Genome position (GRCh38, 1-based): chr1:237,756,344, T>A. VCF-style: chr1-237756344-T-A. GRCh37 (hg19) VCF-style: chr1-237919644-T-A.
Other names: c.11202T>A (NM_001035.2).
Identifiers: ClinVar variation 1146204 (VCV001146204.15), dbSNP rs763792914, ClinGen allele CA084810.

ClinVar aggregate classification (germline): Likely benign. Review status: criteria provided, multiple submitters, no conflicts (2 of 4 stars). 5 submissions from 5 submitters: Likely benign (5). Last evaluated 2025-11-02.

Conditions:
Cardiovascular phenotype. Identifiers: MedGen CN230736.
Catecholaminergic polymorphic ventricular tachycardia (CVPT). Also called: Catecholamine-induced polymorphic ventricular tachycardia. Identifiers: Orphanet 3286, MedGen C5574922, MONDO:0017990.
Catecholaminergic polymorphic ventricular tachycardia 1. Also called: RYR2-Related Catecholaminergic Polymorphic Ventricular Tachycardia; VENTRICULAR TACHYCARDIA, CATECHOLAMINERGIC POLYMORPHIC, 1, WITH OR WITHOUT ATRIAL DYSFUNCTION AND/OR DILATED CARDIOMYOPATHY; VENTRICULAR TACHYCARDIA, STRESS-INDUCED POLYMORPHIC 1. Identifiers: Orphanet 3286, MedGen C1631597, MONDO:0011484, OMIM 604772.
Cardiomyopathy (CMYO). Also called: Cardiomyopathies. Identifiers: Orphanet 167848, MedGen C0878544, MONDO:0004994, HP:0001638. Inheritance: Various modes of inheritance.

Allele frequency attached by ClinVar (database versions not stated): gnomAD exomes below 0.00001; gnomAD 0.00001.
gnomAD v4.1: 5 of 1,613,524 alleles (0.00031%); highest among the groups gnomAD compares: Non-Finnish European, 0.00042%; no homozygotes.

Submissions (5):

Ambry Genetics
Classification: Likely benign for Cardiovascular phenotype. Last evaluated: 2025-11-02. Review status: criteria provided, single submitter. Criteria: Ambry Variant Classification Scheme 2023. Collection method: clinical testing. Allele origin: germline.

Blueprint Genetics
Classification: Likely benign. Last evaluated: 2024-09-04. Review status: criteria provided, single submitter. Criteria: ACMG Guidelines, 2015. Collection method: clinical testing. Allele origin: germline.

Labcorp Genetics (formerly Invitae), Labcorp
Classification: Likely benign for Catecholaminergic polymorphic ventricular tachycardia 1. Last evaluated: 2023-07-08. Review status: criteria provided, single submitter. Criteria: Invitae Variant Classification Sherloc (09022015). Collection method: clinical testing. Allele origin: germline.

All of Us Research Program, National Institutes of Health
Classification: Likely benign for Catecholaminergic polymorphic ventricular tachycardia. Last evaluated: 2023-06-26. Review status: criteria provided, single submitter. Criteria: ACMG Guidelines, 2015. Collection method: clinical testing. Allele origin: germline. Inheritance: Autosomal dominant inheritance. Observed: 1 variant allele, 1 heterozygote.
Comment: This study involves interpretation of variants in research participants for the purpose of population health screening. Participant phenotype was not available at the time of variant classification. Additional details can be found in publication PMID: 35346344, PMCID: PMC8962531

Color Diagnostics, LLC DBA Color Health
Classification: Likely benign for Cardiomyopathy. Last evaluated: 2021-01-12. Review status: criteria provided, single submitter. Criteria: ACMG Guidelines, 2015. Collection method: clinical testing. Allele origin: germline.